The following is an entry in ClinVar:

NM_006648.4(WNK2):c.1898A>G (p.Gln633Arg)

Gene: WNK2 (WNK lysine deficient protein kinase 2; plus strand). Cytogenetic location: 9q22.31.
Variant type: single nucleotide variant.
Coding change: c.1898A>G on transcript NM_006648.4 (MANE Select); coding-DNA position 1898, A replaced by G.
Protein change: p.Gln633Arg; replaces glutamine 633 with arginine.
Molecular consequence: missense variant.
Genome position (GRCh38, 1-based): chr9:93,252,946, A>G. VCF-style: chr9-93252946-A-G. GRCh37 (hg19) VCF-style: chr9-96015228-A-G.
Other names: c.1898A>G, p.Gln633Arg (NM_001282394.3); short protein forms Q633R.
Identifiers: ClinVar variation 4605366 (VCV004605366.1).
Genomic context (GRCh38, chr9:93,252,946, plus strand): 5'-ACAGCACCTTCGACAGCGGCCAGGGCTCTACCGTGTACTCAGACTCGCAGAGCAGCCAGC[A>G]GAGCGTGATGCTTGGCTCCCTTGCCGACGCAGCGCCGTCCCCGGCCCAGTGTGTGTGCAG-3'
Protein context (NP_006639.3, residues 623-643): TVYSDSQSSQ[Gln633Arg]SVMLGSLADA

ClinVar aggregate classification (germline): Uncertain significance (1 of 4 stars; one submission).

Submission:

Ambry Genetics
Classification: Uncertain significance. Last evaluated: 2025-11-16. Review status: criteria provided, single submitter. Criteria: Ambry Variant Classification Scheme 2023. Collection method: clinical testing. Allele origin: germline.
Comment: The p.Q633R variant (also known as c.1898A>G), located in coding exon 8 of the WNK2 gene, results from an A to G substitution at nucleotide position 1898. The glutamine at codon 633 is replaced by arginine, an amino acid with highly similar properties. This amino acid position is conserved. In addition, this alteration is predicted to be tolerated by in silico analysis. Based on the available evidence, the clinical significance of this variant remains unclear.